The following is an entry in ClinVar:

ClinVar aggregate classification (germline): Uncertain significance. Review status: criteria provided, multiple submitters, no conflicts (2 of 4 stars). 2 submissions from 2 submitters: Uncertain significance (2). Last evaluated 2025-08-25.

Conditions:
Inborn genetic diseases. Identifiers: MedGen C0950123, MeSH D030342.
Developmental and epileptic encephalopathy, 14 (DEE14). Also called: Early infantile epileptic encephalopathy 14. Identifiers: Orphanet 293181, MedGen C3554195, MONDO:0013989, OMIM 614959.
Autosomal dominant nocturnal frontal lobe epilepsy 5. Also called: KCNT1-Related Epilepsy; CILIARY DYSKINESIA, PRIMARY, 28, WITH SITUS INVERSUS; Epilepsy, nocturnal frontal lobe, 5; CILIARY DYSKINESIA, PRIMARY, 28, WITHOUT SITUS INVERSUS. Identifiers: Orphanet 98784, MedGen C3554306, MONDO:0014002, OMIM 615005.

Allele frequency attached by ClinVar (database versions not stated): TOPMed below 0.00001; gnomAD exomes below 0.00001.
gnomAD v4.1: 2 of 1,612,502 alleles (0.00012%); highest among the groups gnomAD compares: Non-Finnish European, 0.00017%; no homozygotes.

Submissions (2):

Ambry Genetics
Classification: Uncertain significance for Inborn genetic diseases. Last evaluated: 2025-08-25. Review status: criteria provided, single submitter. Criteria: Ambry Variant Classification Scheme 2023. Collection method: clinical testing. Allele origin: germline.

Labcorp Genetics (formerly Invitae), Labcorp
Classification: Uncertain significance for Autosomal dominant nocturnal frontal lobe epilepsy 5; Developmental and epileptic encephalopathy, 14. Last evaluated: 2022-02-08. Review status: criteria provided, single submitter. Criteria: Invitae Variant Classification Sherloc (09022015). Collection method: clinical testing. Allele origin: germline.
Comment: This sequence change replaces aspartic acid, which is acidic and polar, with asparagine, which is neutral and polar, at codon 867 of the KCNT1 protein (p.Asp867Asn). This variant is not present in population databases (gnomAD no frequency). This variant has not been reported in the literature in individuals affected with KCNT1-related conditions. Advanced modeling of protein sequence and biophysical properties (such as structural, functional, and spatial information, amino acid conservation, physicochemical variation, residue mobility, and thermodynamic stability) performed at Invitae indicates that this missense variant is expected to disrupt KCNT1 protein function. In summary, the available evidence is currently insufficient to determine the role of this variant in disease. Therefore, it has been classified as a Variant of Uncertain Significance.

NM_020822.3(KCNT1):c.2599G>A (p.Asp867Asn)

Gene: KCNT1 (potassium sodium-activated channel subfamily T member 1; plus strand). Cytogenetic location: 9q34.3.
Variant type: single nucleotide variant.
Coding change: c.2599G>A on transcript NM_020822.3 (MANE Select); coding-DNA position 2599, G replaced by A.
Protein change: p.Asp867Asn; replaces aspartic acid 867 with asparagine.
Molecular consequence: missense variant.
Genome position (GRCh38, 1-based): chr9:135,778,692, G>A. VCF-style: chr9-135778692-G-A. GRCh37 (hg19) VCF-style: chr9-138670538-G-A.
Other names: c.2599G>A (NM_020822.2); c.2464G>A, p.Asp822Asn (NM_001272003.2); short protein forms D822N, D867N.
Identifiers: ClinVar variation 1436883 (VCV001436883.6), dbSNP rs1424894748, ClinGen allele CA375514099.
Genomic context (GRCh38, chr9:135,778,692, plus strand): 5'-CTGTGGGTGGGGAGTGGGCCGCATCCTCAGCCACGGGCCCTCGGTCCCGCCACCAGCCTG[G>A]ACAGCCTGCTGCAGTGTGGCATCATCTATGCGGACAACCTGGTGGTGGTGGACAAGGAGA-3'
Protein context (NP_065873.2, residues 857-877): YYMEGSVDNL[Asp867Asn]SLLQCGIIYA